The following is an entry in ClinVar:

NM_004260.4(RECQL4):c.1781C>T (p.Ala594Val)

Gene: RECQL4 (RecQ like helicase 4; minus strand). Cytogenetic location: 8q24.3.
Variant type: single nucleotide variant.
Coding change: c.1781C>T on transcript NM_004260.4 (MANE Select); coding-DNA position 1781, C replaced by T.
Protein change: p.Ala594Val; replaces alanine 594 with valine.
Molecular consequence: missense variant.
Genome position (GRCh38, 1-based): chr8:144,514,286, G>A on the plus strand (C>T on the coding strand, the complement: RECQL4 is on the minus strand). VCF-style: chr8-144514286-G-A. GRCh37 (hg19) VCF-style: chr8-145739670-G-A.
Other names: short protein forms A594V.
Identifiers: ClinVar variation 941867 (VCV000941867.7), dbSNP rs763773600, ClinGen allele CA4948660.
Genomic context (GRCh38, chr8:144,514,286, plus strand): 5'-GACCACTGGGAGAGGCAGTGGGCCTCATCAATGCAGGCAAAAGCAACTGGAGGCAGCTGT[G>A]CGGCTGGAGGGAGGCCTCCCGCCCCCACCAGTGCCTCAGGTGTCAGCATCAGCACGTGTA-3'
Protein context (NP_004251.4, residues 584-604): LVGAGGLPPA[Ala594Val]QLPPVAFACI

ClinVar aggregate classification (germline): Uncertain significance. Review status: criteria provided, multiple submitters, no conflicts (2 of 4 stars). 3 submissions from 3 submitters: Uncertain significance (3). Last evaluated 2026-08-11.

Conditions:
Baller-Gerold syndrome (BGS). Also called: CRANIOSYNOSTOSIS WITH RADIAL DEFECTS. Identifiers: Orphanet 1225, MedGen C0265308, MONDO:0009039, OMIM 218600.
Inborn genetic diseases. Identifiers: MedGen C0950123, MeSH D030342.

Allele frequency attached by ClinVar (database versions not stated): gnomAD 0.00001; gnomAD exomes 0.00001 and below 0.00001; TOPMed 0.00002; ExAC 0.00001.
gnomAD v4.1: 4 of 1,611,498 alleles (0.00025%); highest among the groups gnomAD compares: African/African-American, 0.004%; no homozygotes.

Submissions (3):

Ambry Genetics
Classification: Uncertain significance for Inborn genetic diseases. Last evaluated: 2026-08-11. Review status: criteria provided, single submitter. Criteria: Ambry Variant Classification Scheme 2023. Collection method: clinical testing. Allele origin: germline.
Comment: The p.A594V variant (also known as c.1781C>T), located in coding exon 11 of the RECQL4 gene, results from a C to T substitution at nucleotide position 1781. The alanine at codon 594 is replaced by valine, an amino acid with similar properties. This amino acid position is conserved. In addition, this alteration is predicted to be tolerated by in silico analysis. Based on the available evidence, the clinical significance of this variant remains unclear.

GeneDx
Classification: Uncertain significance. Last evaluated: 2024-03-18. Review status: criteria provided, single submitter. Criteria: GeneDx Variant Classification Process June 2021. Collection method: clinical testing. Allele origin: germline. Affected: yes.
Comment: In silico analysis supports that this missense variant does not alter protein structure/function; Has not been previously published as pathogenic or benign to our knowledge

Labcorp Genetics (formerly Invitae), Labcorp
Classification: Uncertain significance for Baller-Gerold syndrome. Last evaluated: 2022-12-21. Review status: criteria provided, single submitter. Criteria: Invitae Variant Classification Sherloc (09022015). Collection method: clinical testing. Allele origin: germline.
Comment: ClinVar contains an entry for this variant (Variation ID: 941867). In summary, the available evidence is currently insufficient to determine the role of this variant in disease. Therefore, it has been classified as a Variant of Uncertain Significance. Advanced modeling of protein sequence and biophysical properties (such as structural, functional, and spatial information, amino acid conservation, physicochemical variation, residue mobility, and thermodynamic stability) performed at Invitae indicates that this missense variant is not expected to disrupt RECQL4 protein function. This variant has not been reported in the literature in individuals affected with RECQL4-related conditions. This variant is present in population databases (rs763773600, gnomAD 0.01%). This sequence change replaces alanine, which is neutral and non-polar, with valine, which is neutral and non-polar, at codon 594 of the RECQL4 protein (p.Ala594Val).